The following is an entry in ClinVar:

NM_001396959.1(TBC1D1):c.980G>A (p.Arg327Lys)

Genes: TBC1D1 (TBC1 domain family member 1; plus strand), LOC126807034 (BRD4-independent group 4 enhancer GRCh37_chr4:38021983-38023182; plus strand). Cytogenetic location: 4p14.
Variant type: single nucleotide variant.
Coding change: c.980G>A on transcript NM_001396959.1 (MANE Select); coding-DNA position 980, G replaced by A.
Protein change: p.Arg327Lys; replaces arginine 327 with lysine.
Molecular consequence: missense variant.
Genome position (GRCh38, 1-based): chr4:38,020,598, G>A. VCF-style: chr4-38020598-G-A. GRCh37 (hg19) VCF-style: chr4-38022219-G-A.
Other names: c.980G>A, p.Arg327Lys (NM_001253912.2, NM_015173.4); short protein forms R327K.
Identifiers: ClinVar variation 774856 (VCV000774856.35), dbSNP rs112261209, ClinGen allele CA2887591.
Genomic context (GRCh38, chr4:38,020,598, plus strand): 5'-GGATGGTGCGTCTTCTGGATACAACTGAACATCTCGTTCTCTCCCTTTGGCAGGGCATCA[G>A]ACACGTGGACCACTTTGGGTTTATCTGTCGGGAGTCTTCCGGAGGTGGCGGCTTTCATTT-3'
Protein context (NP_001383888.1, residues 317-337): KEISFCSQGI[Arg327Lys]HVDHFGFICR

ClinVar aggregate classification (germline): Benign/Likely benign. Review status: criteria provided, multiple submitters, no conflicts (2 of 4 stars). 4 submissions from 4 submitters: Benign (2); Likely benign (2). Last evaluated 2025-09-01.

Allele frequency attached by ClinVar (database versions not stated): 1000 Genomes Project 0.00160; 1000 Genomes Project 30x 0.00187; gnomAD exomes 0.00716 and 0.01302; TOPMed 0.00716; gnomAD 0.00721 and 0.00755; ExAC 0.00754; ESP Exome Variant Server 0.00976.
gnomAD v4.1: 19,921 of 1,612,606 alleles (1.2%); highest among the groups gnomAD compares: Non-Finnish European, 1.6%; 163 homozygotes.

Submissions (4):

CeGaT Center for Human Genetics Tuebingen
Classification: Benign. Last evaluated: 2025-09-01. Review status: criteria provided, single submitter. Criteria: CeGaT Center For Human Genetics Tuebingen Variant Classification Criteria Version 2. Collection method: clinical testing. Allele origin: germline. Affected: yes. Observed: 8 variant alleles.
Comment: TBC1D1: BP4, BS1, BS2

Labcorp Genetics (formerly Invitae), Labcorp
Classification: Benign. Last evaluated: 2019-12-31. Review status: criteria provided, single submitter. Criteria: Invitae Variant Classification Sherloc (09022015). Collection method: clinical testing. Allele origin: germline.

GeneDx
Classification: Likely benign. Last evaluated: 2015-03-03. Review status: criteria provided, single submitter. Criteria: GeneDx Variant Classification Process June 2021. Collection method: clinical testing. Allele origin: germline. Affected: yes.
Comment: This variant is associated with the following publications: (PMID: 26572137)

Breakthrough Genomics
Classification: Likely benign. Review status: criteria provided, single submitter. Criteria: ACMG Guidelines, 2015. Collection method: not provided. Allele origin: germline. Inheritance: Unknown mechanism. Affected: yes.